The following is an entry in ClinVar:

ClinVar aggregate classification (germline): Likely pathogenic. Review status: criteria provided, multiple submitters, no conflicts (2 of 4 stars). 2 submissions from 2 submitters: Likely pathogenic (2). Last evaluated 2025-03-19.

Conditions:
Autosomal recessive limb-girdle muscular dystrophy type 2J (LGMDR10). Also called: Limb-girdle muscular dystrophy, type 2J; MUSCULAR DYSTROPHY, LIMB-GIRDLE, AUTOSOMAL RECESSIVE 10. Identifiers: Orphanet 140922, MedGen C1837342, MONDO:0012127, OMIM 608807.
Dilated cardiomyopathy 1G (CMD1G). Identifiers: Orphanet 154, MedGen C1858763, MONDO:0011400, OMIM 604145.

Submissions (2):

Variantyx, Inc.
Classification: Likely pathogenic for Dilated cardiomyopathy 1G. Last evaluated: 2025-03-19. Review status: criteria provided, single submitter. Criteria: Variantyx Assertion Criteria 2022. Collection method: clinical testing. Allele origin: germline. Inheritance: Autosomal dominant inheritance. Affected: yes.
Comment: This is a nonsense variant in the TTN gene (OMIM: 188840). Pathogenic variants in this gene have been associated with autosomal dominant dilated cardiomyopathy 1G. This variant is located in the A-band region of titin and introduces a premature termination codon in exon 339 out of 363and is expected to result in loss of function, which is a known disease mechanism for TTN in this disorder (PMID: 27869827, 33226272) (PVS1). This variant is absent from control populations (PM2) and it has not been reported in individuals with TTN-related disorders in the databases available for review. Based on the current evidence, this variant is classified as likely pathogenic for autosomal dominant dilated cardiomyopathy 1G.

Labcorp Genetics (formerly Invitae), Labcorp
Classification: Likely pathogenic for Dilated cardiomyopathy 1G; Autosomal recessive limb-girdle muscular dystrophy type 2J. Last evaluated: 2025-01-08. Review status: criteria provided, single submitter. Criteria: Invitae Variant Classification Sherloc (09022015). Collection method: clinical testing. Allele origin: germline.
Comment: This sequence change creates a premature translational stop signal (p.Trp30842*) in the TTN gene. While this is not anticipated to result in nonsense mediated decay, it is expected to create a truncated TTN protein. This variant is not present in population databases (gnomAD no frequency). This premature translational stop signal has been observed in individual(s) with TTN-related conditions (PMID: 31737537). This variant is located in the A band of TTN (PMID: 25589632). Truncating variants in this region are significantly overrepresented in patients affected with dilated cardiomyopathy (PMID: 25589632). Truncating variants in this region have also been reported in individuals affected with autosomal recessive centronuclear myopathy (PMID: 23975875). In summary, the currently available evidence indicates that the variant is pathogenic, but additional data are needed to prove that conclusively. Therefore, this variant has been classified as Likely Pathogenic.

Literature cited by the submitters: PubMed 27869827 (cited by Variantyx, Inc.); PubMed 33226272 (cited by Variantyx, Inc.); PubMed 31737537 (cited by Labcorp Genetics (formerly Invitae), Labcorp); PubMed 25589632 (cited by Labcorp Genetics (formerly Invitae), Labcorp); PubMed 23975875 (cited by Labcorp Genetics (formerly Invitae), Labcorp).

NM_001267550.2(TTN):c.92525G>A (p.Trp30842Ter)

Genes: TTN (titin; minus strand), TTN-AS1 (TTN antisense RNA 1; plus strand). Cytogenetic location: 2q31.2.
Variant type: single nucleotide variant.
Coding change: c.92525G>A on transcript NM_001267550.2 (MANE Select); coding-DNA position 92525, G replaced by A.
Protein change: p.Trp30842Ter; replaces tryptophan 30842 with a stop codon.
Molecular consequence: nonsense.
Genome position (GRCh38, 1-based): chr2:178,549,101, C>T on the plus strand (G>A on the coding strand, the complement: TTN is on the minus strand). VCF-style: chr2-178549101-C-T. GRCh37 (hg19) VCF-style: chr2-179413828-C-T.
Other names: c.87602G>A, p.Trp29201Ter (NM_001256850.1); c.65330G>A, p.Trp21777Ter (NM_003319.4); c.84821G>A, p.Trp28274Ter (NM_133378.4); c.65705G>A, p.Trp21902Ter (NM_133432.3); c.65906G>A, p.Trp21969Ter (NM_133437.4); short protein forms W21777*, W21902*, W21969*, W28274*, W29201*, W30842*.
Identifiers: ClinVar variation 3763447 (VCV003763447.3).